The following is an entry in ClinVar:

ClinVar aggregate classification (germline): Uncertain significance (1 of 4 stars; one submission).

Conditions:
Werner syndrome (WRN). Identifiers: Orphanet 902, MedGen C0043119, MONDO:0010196, OMIM 277700.

Submission:

Labcorp Genetics (formerly Invitae), Labcorp
Classification: Uncertain significance for Werner syndrome. Last evaluated: 2025-03-31. Review status: criteria provided, single submitter. Criteria: Invitae Variant Classification Sherloc (09022015). Collection method: clinical testing. Allele origin: germline.
Comment: This sequence change replaces serine, which is neutral and polar, with asparagine, which is neutral and polar, at codon 107 of the WRN protein (p.Ser107Asn). This variant is not present in population databases (gnomAD no frequency). This variant has not been reported in the literature in individuals affected with WRN-related conditions. ClinVar contains an entry for this variant (Variation ID: 942307). An algorithm developed to predict the effect of missense changes on protein structure and function outputs the following: PolyPhen-2: "Benign". The asparagine amino acid residue is found in multiple mammalian species, which suggests that this missense change does not adversely affect protein function. In summary, the available evidence is currently insufficient to determine the role of this variant in disease. Therefore, it has been classified as a Variant of Uncertain Significance.

NM_000553.6(WRN):c.320G>A (p.Ser107Asn)

Gene: WRN (WRN RecQ like helicase; plus strand). Cytogenetic location: 8p12.
Variant type: single nucleotide variant.
Coding change: c.320G>A on transcript NM_000553.6 (MANE Select); coding-DNA position 320, G replaced by A.
Protein change: p.Ser107Asn; replaces serine 107 with asparagine.
Molecular consequence: missense variant.
Genome position (GRCh38, 1-based): chr8:31,064,399, G>A. VCF-style: chr8-31064399-G-A. GRCh37 (hg19) VCF-style: chr8-30921915-G-A.
Other names: short protein forms S107N.
Identifiers: ClinVar variation 942307 (VCV000942307.5), dbSNP rs1812614058, ClinGen allele CA370914357.